The following is an entry in ClinVar:

NM_001039141.3(TRIOBP):c.142G>C (p.Val48Leu)

Gene: TRIOBP (TRIO and F-actin binding protein; plus strand). Cytogenetic location: 22q13.1.
Variant type: single nucleotide variant.
Coding change: c.142G>C on transcript NM_001039141.3 (MANE Select); coding-DNA position 142, G replaced by C.
Protein change: p.Val48Leu; replaces valine 48 with leucine.
Molecular consequence: missense variant.
Genome position (GRCh38, 1-based): chr22:37,710,454, G>C. VCF-style: chr22-37710454-G-C. GRCh37 (hg19) VCF-style: chr22-38106461-G-C.
Other names: short protein forms V48L.
Identifiers: ClinVar variation 3384506 (VCV003384506.1).

ClinVar aggregate classification (germline): Uncertain significance (1 of 4 stars; one submission).

Submission:

GeneDx
Classification: Uncertain significance. Last evaluated: 2024-06-07. Review status: criteria provided, single submitter. Criteria: GeneDx Variant Classification Process June 2021. Collection method: clinical testing. Allele origin: germline. Affected: yes.
Comment: Not observed at significant frequency in large population cohorts (gnomAD); In silico analysis indicates that this missense variant does not alter protein structure/function; Has not been previously published as pathogenic or benign to our knowledge